The following is an entry in ClinVar:

NM_000143.4(FH):c.1318G>A (p.Ala440Thr)

Gene: FH (fumarate hydratase; minus strand). Cytogenetic location: 1q43.
Variant type: single nucleotide variant.
Coding change: c.1318G>A on transcript NM_000143.4 (MANE Select); coding-DNA position 1318, G replaced by A.
Protein change: p.Ala440Thr; replaces alanine 440 with threonine.
Molecular consequence: missense variant.
Genome position (GRCh38, 1-based): chr1:241,500,509, C>T on the plus strand (G>A on the coding strand, the complement: FH is on the minus strand). VCF-style: chr1-241500509-C-T. GRCh37 (hg19) VCF-style: chr1-241663809-C-T.
Other names: short protein forms A440T.
Identifiers: ClinVar variation 2831993 (VCV002831993.3), dbSNP rs2147913158, ClinGen allele CA345436613.

ClinVar aggregate classification (germline): Uncertain significance (1 of 4 stars; one submission).

Submission:

Labcorp Genetics (formerly Invitae), Labcorp
Classification: Uncertain significance. Last evaluated: 2023-01-26. Review status: criteria provided, single submitter. Criteria: Invitae Variant Classification Sherloc (09022015). Collection method: clinical testing. Allele origin: germline.
Comment: In summary, the available evidence is currently insufficient to determine the role of this variant in disease. Therefore, it has been classified as a Variant of Uncertain Significance. Advanced modeling of protein sequence and biophysical properties (such as structural, functional, and spatial information, amino acid conservation, physicochemical variation, residue mobility, and thermodynamic stability) performed at Invitae indicates that this missense variant is expected to disrupt FH protein function. This variant has not been reported in the literature in individuals affected with FH-related conditions. This variant is not present in population databases (gnomAD no frequency). This sequence change replaces alanine, which is neutral and non-polar, with threonine, which is neutral and polar, at codon 440 of the FH protein (p.Ala440Thr).